The following is an entry in ClinVar:

NM_022455.5(NSD1):c.4402C>A (p.Pro1468Thr)

Gene: NSD1 (nuclear receptor binding SET domain protein 1; plus strand). Cytogenetic location: 5q35.3.
Variant type: single nucleotide variant.
Coding change: c.4402C>A on transcript NM_022455.5 (MANE Select); coding-DNA position 4402, C replaced by A.
Protein change: p.Pro1468Thr; replaces proline 1468 with threonine.
Molecular consequence: missense variant.
Genome position (GRCh38, 1-based): chr5:177,246,701, C>A. VCF-style: chr5-177246701-C-A. GRCh37 (hg19) VCF-style: chr5-176673702-C-A.
Other names: c.3529C>A, p.Pro1177Thr (NM_001365684.2, NM_001409306.1, NM_001409307.1 and 3 more transcripts); c.4402C>A, p.Pro1468Thr (NM_001409301.1, NM_001409302.1, NM_001409303.1); c.3982C>A, p.Pro1328Thr (NM_001409304.1); c.3649C>A, p.Pro1217Thr (NM_001409305.1); short protein forms P1177T, P1217T, P1328T, P1468T.
Identifiers: ClinVar variation 4976030 (VCV004976030.1).
Genomic context (GRCh38, chr5:177,246,701, plus strand): 5'-TAGTAGCCAGCAGTTAACACCTATTTTCCTGTCATAGGCACTACCAAGATATTTGACAAG[C>A]CAAGGAAGCGAAAACGACAGAGGCATGCTGCAGCCAAGATGCAGTGTAAAAAAGTGAAAA-3'
Protein context (NP_071900.2, residues 1458-1478): GGGTTKIFDK[Pro1468Thr]RKRKRQRHAA

ClinVar aggregate classification (germline): Uncertain significance (1 of 4 stars; one submission).

gnomAD v4.1: 1 of 1,613,908 alleles (0.000062%); highest among the groups gnomAD compares: Admixed American, 0.0017%; no homozygotes.

Submission:

GeneDx
Classification: Uncertain significance. Last evaluated: 2026-02-02. Review status: criteria provided, single submitter. Criteria: GeneDx Variant Classification Process June 2021. Collection method: clinical testing. Allele origin: germline.
Comment: Not observed at significant frequency in large population cohorts (gnomAD); In silico analysis suggests that this missense variant does not alter protein structure/function; Has not been previously published as pathogenic or benign to our knowledge